The following is an entry in ClinVar:

ClinVar aggregate classification (germline): Uncertain significance. Review status: criteria provided, multiple submitters, no conflicts (2 of 4 stars). 2 submissions from 2 submitters: Uncertain significance (2). Last evaluated 2024-10-21.

Allele frequency attached by ClinVar (database versions not stated): gnomAD 0.00001; TOPMed 0.00001.
gnomAD v4.1: 21 of 1,613,470 alleles (0.0013%); highest among the groups gnomAD compares: Non-Finnish European, 0.0018%; no homozygotes.

Submissions (2):

GeneDx
Classification: Uncertain significance. Last evaluated: 2024-10-21. Review status: criteria provided, single submitter. Criteria: GeneDx Variant Classification Process June 2021. Collection method: clinical testing. Allele origin: germline. Affected: yes.
Comment: Has not been previously published as pathogenic or benign to our knowledge; In silico analysis supports that this missense variant has a deleterious effect on protein structure/function; Not observed at significant frequency in large population cohorts (gnomAD)

Labcorp Genetics (formerly Invitae), Labcorp
Classification: Uncertain significance. Last evaluated: 2022-02-03. Review status: criteria provided, single submitter. Criteria: Invitae Variant Classification Sherloc (09022015). Collection method: clinical testing. Allele origin: germline.
Comment: In summary, the available evidence is currently insufficient to determine the role of this variant in disease. Therefore, it has been classified as a Variant of Uncertain Significance. Algorithms developed to predict the effect of missense changes on protein structure and function are either unavailable or do not agree on the potential impact of this missense change (SIFT: "Tolerated"; PolyPhen-2: "Possibly Damaging"; Align-GVGD: "Class C0"). This variant has not been reported in the literature in individuals affected with SLC39A8-related conditions. This variant is present in population databases (no rsID available, gnomAD 0.0009%). This sequence change replaces arginine, which is basic and polar, with threonine, which is neutral and polar, at codon 420 of the SLC39A8 protein (p.Arg420Thr).

NM_001135146.2(SLC39A8):c.1259G>C (p.Arg420Thr)

Gene: SLC39A8 (solute carrier family 39 member 8; minus strand). Cytogenetic location: 4q24.
Variant type: single nucleotide variant.
Coding change: c.1259G>C on transcript NM_001135146.2 (MANE Select); coding-DNA position 1259, G replaced by C.
Protein change: p.Arg420Thr; replaces arginine 420 with threonine.
Molecular consequence: missense variant.
Genome position (GRCh38, 1-based): chr4:102,263,168, C>G on the plus strand (G>C on the coding strand, the complement: SLC39A8 is on the minus strand). VCF-style: chr4-102263168-C-G. GRCh37 (hg19) VCF-style: chr4-103184325-C-G.
Other names: c.1259G>C, p.Arg420Thr (NM_001135147.1, NM_022154.5); c.1058G>C, p.Arg353Thr (NM_001135148.2); short protein forms R353T, R420T.
Identifiers: ClinVar variation 1967629 (VCV001967629.6), dbSNP rs1475863942, ClinGen allele CA357749305.